The following is an entry in ClinVar:

NM_001365536.1(SCN9A):c.205G>A (p.Gly69Ser)

Gene: SCN9A (sodium voltage-gated channel alpha subunit 9; minus strand). Cytogenetic location: 2q24.3.
Variant type: single nucleotide variant.
Coding change: c.205G>A on transcript NM_001365536.1 (MANE Select); coding-DNA position 205, G replaced by A.
Protein change: p.Gly69Ser; replaces glycine 69 with serine.
Molecular consequence: missense variant.
Genome position (GRCh38, 1-based): chr2:166,311,552, C>T on the plus strand (G>A on the coding strand, the complement: SCN9A is on the minus strand). VCF-style: chr2-166311552-C-T. GRCh37 (hg19) VCF-style: chr2-167168062-C-T.
Other names: c.205G>A, p.Gly69Ser (NM_002977.4); short protein forms G69S.
Identifiers: ClinVar variation 538478 (VCV000538478.14), dbSNP rs201243874, ClinGen allele CA1944868.
Genomic context (GRCh38, chr2:166,311,552, plus strand): 5'-AACTCACCTTTTTGTCTGCATAGTAGGGGTCCAAGTCCTCCAGGGGCTCTGACACCATGC[C>T]GGGAGGAATGTCCCCATAGATGAAGGGCAGCTGTTTGCCAGCTTCCAAGTCACTGCTTGG-3'
Protein context (NP_001352465.1, residues 59-79): LPFIYGDIPP[Gly69Ser]MVSEPLEDLD

ClinVar aggregate classification (germline): Uncertain significance. Review status: criteria provided, multiple submitters, no conflicts (2 of 4 stars). 4 submissions from 4 submitters: Uncertain significance (4). Last evaluated 2026-03-23.

Conditions:
Inborn genetic diseases. Identifiers: MedGen C0950123, MeSH D030342.
Generalized epilepsy with febrile seizures plus, type 7 (GEFSP7). Also called: GEFS+, TYPE 7. Identifiers: Orphanet 36387, MedGen C2751778, MONDO:0013470, OMIM 613863.
Neuropathy, hereditary sensory and autonomic, type 2A (HSAN2A). Also called: ACROOSTEOLYSIS, GIACCAI TYPE; ACROOSTEOLYSIS, NEUROGENIC; WNK1-Related HSAN2 (HSAN2A); HSAN IIA; MORVAN DISEASE; NEUROPATHY, CONGENITAL SENSORY. Identifiers: Orphanet 970, MedGen C2752089, MONDO:0024309, OMIM 201300.
SCN9A-related disorder. Also called: SCN9A-related disorders; SCN9A-related condition.

Allele frequency attached by ClinVar (database versions not stated): TOPMed 0.00003; ExAC 0.00005; gnomAD exomes 0.00005; ESP Exome Variant Server 0.00008.
gnomAD v4.1: 212 of 1,612,448 alleles (0.013%); highest among the groups gnomAD compares: Non-Finnish European, 0.017%; no homozygotes.

Submissions (4):

PreventionGenetics, part of Exact Sciences
Classification: Uncertain significance for SCN9A-related condition. Last evaluated: 2026-03-23. Review status: criteria provided, single submitter. Criteria: ACMG Guidelines, 2015. Collection method: clinical testing. Allele origin: germline.
Comment: The SCN9A c.205G>A variant is predicted to result in the amino acid substitution p.Gly69Ser. To our knowledge, this variant has not been reported in the literature. This variant is reported in 0.0080% of alleles in individuals of European (Non-Finnish) descent in gnomAD. At this time, the clinical significance of this variant is uncertain due to the absence of conclusive functional and genetic evidence.

Labcorp Genetics (formerly Invitae), Labcorp
Classification: Uncertain significance for Neuropathy, hereditary sensory and autonomic, type 2A; Generalized epilepsy with febrile seizures plus, type 7. Last evaluated: 2025-12-21. Review status: criteria provided, single submitter. Criteria: Invitae Variant Classification Sherloc (09022015). Collection method: clinical testing. Allele origin: germline.
Comment: This sequence change replaces glycine, which is neutral and non-polar, with serine, which is neutral and polar, at codon 69 of the SCN9A protein (p.Gly69Ser). This variant is present in population databases (rs201243874, gnomAD 0.007%). This variant has not been reported in the literature in individuals affected with SCN9A-related conditions. ClinVar contains an entry for this variant (Variation ID: 538478). Invitae Evidence Modeling of protein sequence and biophysical properties (such as structural, functional, and spatial information, amino acid conservation, physicochemical variation, residue mobility, and thermodynamic stability) indicates that this missense variant is not expected to disrupt SCN9A protein function with a negative predictive value of 95%. In summary, the available evidence is currently insufficient to determine the role of this variant in disease. Therefore, it has been classified as a Variant of Uncertain Significance.

Blueprint Genetics
Classification: Uncertain significance. Last evaluated: 2023-07-06. Review status: criteria provided, single submitter. Criteria: ACMG Guidelines, 2015. Collection method: clinical testing. Allele origin: germline.

Ambry Genetics
Classification: Uncertain significance for Inborn genetic diseases. Last evaluated: 2023-04-26. Review status: criteria provided, single submitter. Criteria: Ambry Variant Classification Scheme 2023. Collection method: clinical testing. Allele origin: germline.
Comment: Unlikely to be causative of SCN9A-related neuropathic pain syndromes (AD) Based on insufficient or conflicting evidence, the clinical significance of this alteration remains unclear.